The following is an entry in ClinVar:

NM_000551.4(VHL):c.330C>G (p.His110Gln)

Gene: VHL (von Hippel-Lindau tumor suppressor; plus strand). Cytogenetic location: 3p25.3.
Variant type: single nucleotide variant.
Coding change: c.330C>G on transcript NM_000551.4 (MANE Select); coding-DNA position 330, C replaced by G.
Protein change: p.His110Gln; replaces histidine 110 with glutamine.
Molecular consequence: missense variant.
Genome position (GRCh38, 1-based): chr3:10,142,177, C>G. VCF-style: chr3-10142177-C-G. GRCh37 (hg19) VCF-style: chr3-10183861-C-G.
Other names: c.330C>G, p.His110Gln (NM_001354723.2, NM_198156.3); short protein forms H110Q.
Identifiers: ClinVar variation 864567 (VCV000864567.11), dbSNP rs1696140667, ClinGen allele CA351751317.

ClinVar aggregate classification (germline): Conflicting classifications of pathogenicity. Review status: criteria provided, conflicting classifications (1 of 4 stars). 2 submissions from 2 submitters: Uncertain significance (1); Likely benign (1). Last evaluated 2025-05-05.

Conditions:
Chuvash polycythemia. Also called: POLYCYTHEMIA, VHL-DEPENDENT. Identifiers: Orphanet 238557, MedGen C1837915, MONDO:0009892, OMIM 263400.
Von Hippel-Lindau syndrome (VHLS). Also called: VHL syndrome; von Hippel–Lindau syndrome; Von Hippel-Lindau. Identifiers: Orphanet 892, MedGen C0019562, MONDO:0008667, OMIM 193300. Disease mechanism: loss of function.
Hereditary cancer-predisposing syndrome. Also called: Tumor predisposition; Hereditary Cancer Syndrome; Neoplastic Syndromes, Hereditary; Hereditary neoplastic syndrome. Identifiers: Orphanet 140162, MedGen C0027672, MeSH D009386, MONDO:0015356.

Submissions (2):

Ambry Genetics
Classification: Likely benign for Hereditary cancer-predisposing syndrome. Last evaluated: 2025-05-05. Review status: criteria provided, single submitter. Criteria: Ambry Variant Classification Scheme 2023. Collection method: clinical testing. Allele origin: germline.

Labcorp Genetics (formerly Invitae), Labcorp
Classification: Uncertain significance for Von Hippel-Lindau syndrome; Chuvash polycythemia. Last evaluated: 2024-07-02. Review status: criteria provided, single submitter. Criteria: Invitae Variant Classification Sherloc (09022015). Collection method: clinical testing. Allele origin: germline.
Comment: This sequence change replaces histidine, which is basic and polar, with glutamine, which is neutral and polar, at codon 110 of the VHL protein (p.His110Gln). This variant is not present in population databases (gnomAD no frequency). This variant has not been reported in the literature in individuals affected with VHL-related conditions. ClinVar contains an entry for this variant (Variation ID: 864567). Advanced modeling of protein sequence and biophysical properties (such as structural, functional, and spatial information, amino acid conservation, physicochemical variation, residue mobility, and thermodynamic stability) performed at Invitae indicates that this missense variant is expected to disrupt VHL protein function with a positive predictive value of 95%. In summary, the available evidence is currently insufficient to determine the role of this variant in disease. Therefore, it has been classified as a Variant of Uncertain Significance.

Literature cited by the submitters: PubMed 38969834 (cited by Ambry Genetics).